The following is an entry in ClinVar:

ClinVar aggregate classification (germline): Uncertain significance. Review status: criteria provided, multiple submitters, no conflicts (2 of 4 stars). 2 submissions from 2 submitters: Uncertain significance (2). Last evaluated 2023-08-28.

Conditions:
Inborn genetic diseases. Identifiers: MedGen C0950123, MeSH D030342.

Allele frequency attached by ClinVar (database versions not stated): gnomAD 0.00001; gnomAD exomes 0.00001; ExAC 0.00002; TOPMed 0.00002; ESP Exome Variant Server 0.00008.
gnomAD v4.1: 8 of 1,586,590 alleles (0.0005%); highest among the groups gnomAD compares: Non-Finnish European, 0.00069%; no homozygotes.

Submissions (2):

Ambry Genetics
Classification: Uncertain significance for Inborn genetic diseases. Last evaluated: 2023-08-28. Review status: criteria provided, single submitter. Criteria: Ambry Variant Classification Scheme 2023. Collection method: clinical testing. Allele origin: germline.

Labcorp Genetics (formerly Invitae), Labcorp
Classification: Uncertain significance. Last evaluated: 2022-04-02. Review status: criteria provided, single submitter. Criteria: Invitae Variant Classification Sherloc (09022015). Collection method: clinical testing. Allele origin: germline.
Comment: This sequence change replaces proline, which is neutral and non-polar, with threonine, which is neutral and polar, at codon 55 of the COL4A2 protein (p.Pro55Thr). In summary, the available evidence is currently insufficient to determine the role of this variant in disease. Therefore, it has been classified as a Variant of Uncertain Significance. Advanced modeling of protein sequence and biophysical properties (such as structural, functional, and spatial information, amino acid conservation, physicochemical variation, residue mobility, and thermodynamic stability) performed at Invitae indicates that this missense variant is not expected to disrupt COL4A2 protein function. This variant has not been reported in the literature in individuals affected with COL4A2-related conditions. The frequency data for this variant in the population databases is considered unreliable, as metrics indicate poor data quality at this position in the gnomAD database.

NM_001846.4(COL4A2):c.163C>A (p.Pro55Thr)

Gene: COL4A2 (collagen type IV alpha 2 chain; plus strand). Cytogenetic location: 13q34.
Variant type: single nucleotide variant.
Coding change: c.163C>A on transcript NM_001846.4 (MANE Select); coding-DNA position 163, C replaced by A.
Protein change: p.Pro55Thr; replaces proline 55 with threonine.
Molecular consequence: missense variant.
Genome position (GRCh38, 1-based): chr13:110,357,535, C>A. VCF-style: chr13-110357535-C-A. GRCh37 (hg19) VCF-style: chr13-111009882-C-A.
Other names: c.163C>A (NM_001846.2); short protein forms P55T.
Identifiers: ClinVar variation 2167974 (VCV002167974.6), dbSNP rs372234966, ClinGen allele CA7048786.